The following is an entry in ClinVar:

ClinVar aggregate classification (germline): Uncertain significance. Review status: reviewed by expert panel (3 of 4 stars). 5 submissions from 5 submitters: Uncertain significance (1). 4 of the submissions do not count toward it. Last evaluated 2026-03-17.

Conditions:
Platelet-type bleeding disorder 16 (BDPLT16). Also called: Bleeding disorder, platelet-type, 16, autosomal dominant. Identifiers: Orphanet 140957, MedGen C5442010, MONDO:0008552, OMIM 187800.
Glanzmann thrombasthenia 1 (GT1). Also called: BLEEDING DISORDER, PLATELET-TYPE, 2; GP IIb-IIIa COMPLEX DEFICIENCY; GLYCOPROTEIN COMPLEX IIb-IIIa DEFICIENCY; PLATELET FIBRINOGEN RECEPTOR DEFICIENCY. Identifiers: MedGen CN300358, MONDO:0031332, OMIM 273800.
Glanzmann thrombasthenia. Also called: THROMBASTHENIA OF GLANZMANN AND NAEGELI; Thrombasthenia; Glanzmann's thrombasthenia; PLATELET GLYCOPROTEIN IIb-IIIa DEFICIENCY. Identifiers: Orphanet 849, MedGen C0040015, MONDO:0100326.

Allele frequency attached by ClinVar (database versions not stated): TOPMed 0.00007; ESP Exome Variant Server 0.00008; gnomAD 0.00009; 1000 Genomes Project 30x 0.00031; 1000 Genomes Project 0.00040.
gnomAD v4.1: 70 of 1,614,222 alleles (0.0043%); highest among the groups gnomAD compares: East Asian, 0.065%; 1 homozygote.

Submissions (5):

ClinGen Platelet Disorders Variant Curation Expert Panel, ClinGen
Classification: Uncertain significance for Glanzmann thrombasthenia. Last evaluated: 2026-03-17. Review status: reviewed by expert panel. Criteria: ClinGen Platelet ACMG Specifications v2-1. Collection method: curation. Allele origin: germline. Inheritance: Autosomal recessive inheritance.
Comment: The NM_000419.5:c.1366G>A variant in ITGA2B is a missense variant predicted to cause substitution of valine by isoleucine at amino acid 456 (p.Val456Ile). After a comprehensive literature search, the variant has not been identified in any individuals with Glanzmann thrombasthenia. The computational predictor REVEL gives a score of 0.078, which is below the ClinGen PD VCEP threshold of <0.25 and predicts no damaging effect on ITGA2B function (BP4). The variant has an allele frequency of 0.0006461 (29/44886 alleles) and has been found once in the homozygous state in the East Asian population in gnomAD v4.1 (BS1 not met). In summary, this variant meets the criteria to be classified as Uncertain significance - insufficient evidence for autosomal recessive Glanzmann Thrombasthenia based on the ACMG/AMP criteria applied, as specified by the ClinGen PD VCEP: BP4 (VCEP specifications version 2).

Women's Health and Genetics/Laboratory Corporation of America, LabCorp
Classification: Uncertain significance. Last evaluated: 2026-02-19. Review status: criteria provided, single submitter. Criteria: LabCorp Variant Classification Summary - May 2015. Collection method: clinical testing. Allele origin: germline. Not counted in ClinVar's aggregate classification.
Comment: Variant summary: ITGA2B c.1366G>A (p.Val456Ile) results in a conservative amino acid change in the encoded protein sequence. Algorithms developed to predict the effect of missense changes on protein structure and function all suggest that this variant is likely to be tolerated. The variant allele was found at a frequency of 7.6e-05 in 251470 control chromosomes in the gnomAD database, including 1 homozygote. This frequency is not significantly higher than estimated for disease-causing variants in ITGA2B, allowing no conclusion about variant significance. c.1366G>A has been observed in an individual affected with Hirschsprung disease, without strong evidence of causality (Tang_2018). This report does not provide unequivocal conclusions about association of the variant with ITGA2B-Related Disorders. The following publication has been ascertained in the context of this evaluation (PMID: 29483666). ClinVar contains an entry for this variant (Variation ID: 888905). Based on the evidence outlined above, the variant was classified as uncertain significance.

Labcorp Genetics (formerly Invitae), Labcorp
Classification: Uncertain significance for Glanzmann thrombasthenia. Last evaluated: 2025-02-24. Review status: criteria provided, single submitter. Criteria: Invitae Variant Classification Sherloc (09022015). Collection method: clinical testing. Allele origin: germline. Not counted in ClinVar's aggregate classification.
Comment: This sequence change replaces valine, which is neutral and non-polar, with isoleucine, which is neutral and non-polar, at codon 456 of the ITGA2B protein (p.Val456Ile). This variant is present in population databases (rs142111372, gnomAD 0.09%). This variant has not been reported in the literature in individuals affected with ITGA2B-related conditions. ClinVar contains an entry for this variant (Variation ID: 888905). Invitae Evidence Modeling of protein sequence and biophysical properties (such as structural, functional, and spatial information, amino acid conservation, physicochemical variation, residue mobility, and thermodynamic stability) has been performed for this missense variant. However, the output from this modeling did not meet the statistical confidence thresholds required to predict the impact of this variant on ITGA2B protein function. In summary, the available evidence is currently insufficient to determine the role of this variant in disease. Therefore, it has been classified as a Variant of Uncertain Significance.

Department of Pathology and Laboratory Medicine, Sinai Health System
Classification: Uncertain significance for Platelet-type bleeding disorder 16; Glanzmann thrombasthenia 1. Last evaluated: 2021-12-01. Review status: criteria provided, single submitter. Criteria: ACMG Guidelines, 2015. Collection method: research. Allele origin: germline. Not counted in ClinVar's aggregate classification.

Illumina Laboratory Services, Illumina
Classification: Uncertain significance for Glanzmann thrombasthenia 1. Last evaluated: 2017-04-28. Review status: criteria provided, single submitter. Criteria: ICSL Variant Classification Criteria 13 December 2019. Collection method: clinical testing. Allele origin: germline. Not counted in ClinVar's aggregate classification.

Literature cited by the submitters: PubMed 29483666 (cited by Women's Health and Genetics/Laboratory Corporation of America, LabCorp).

NM_000419.5(ITGA2B):c.1366G>A (p.Val456Ile)

Gene: ITGA2B (integrin subunit alpha 2b; minus strand). Cytogenetic location: 17q21.31.
Variant type: single nucleotide variant.
Coding change: c.1366G>A on transcript NM_000419.5 (MANE Select); coding-DNA position 1366, G replaced by A.
Protein change: p.Val456Ile; replaces valine 456 with isoleucine.
Molecular consequence: missense variant.
Genome position (GRCh38, 1-based): chr17:44,380,906, C>T on the plus strand (G>A on the coding strand, the complement: ITGA2B is on the minus strand). VCF-style: chr17-44380906-C-T. GRCh37 (hg19) VCF-style: chr17-42458274-C-T.
Other names: NM_000419.5(ITGA2B):c.1366G>A; p.Val456Ile; short protein forms V456I.
Identifiers: ClinVar variation 888905 (VCV000888905.9), dbSNP rs142111372, ClinGen allele CA8603161.